The following is an entry in ClinVar:

NM_021815.5(SLC5A7):c.1643G>A (p.Arg548Gln)

Gene: SLC5A7 (solute carrier family 5 member 7; plus strand). Cytogenetic location: 2q12.3.
Variant type: single nucleotide variant.
Coding change: c.1643G>A on transcript NM_021815.5 (MANE Select); coding-DNA position 1643, G replaced by A.
Protein change: p.Arg548Gln; replaces arginine 548 with glutamine.
Molecular consequence: missense variant.
Genome position (GRCh38, 1-based): chr2:108,010,761, G>A. VCF-style: chr2-108010761-G-A. GRCh37 (hg19) VCF-style: chr2-108627217-G-A.
Other names: p.Arg548Gln; c.1643G>A, p.Arg548Gln (NM_001305005.3); c.1328G>A, p.Arg443Gln (NM_001305006.3); c.902G>A, p.Arg301Gln (NM_001305007.3); short protein forms R548Q, R301Q, R443Q.
Identifiers: ClinVar variation 532814 (VCV000532814.38), dbSNP rs199864231, ClinGen allele CA1819209.

ClinVar aggregate classification (germline): Conflicting classifications of pathogenicity. Review status: criteria provided, conflicting classifications (1 of 4 stars). 6 submissions from 6 submitters: Uncertain significance (5); Likely benign (1). Last evaluated 2026-01-22.

Conditions:
Neuronopathy, distal hereditary motor, type 7A. Also called: Neuronopathy, distal hereditary motor, type viia; HARPER-YOUNG MYOPATHY; HMN VIIA; SPINAL MUSCULAR ATROPHY, DISTAL, WITH VOCAL CORD PARALYSIS; NEURONOPATHY, DISTAL HEREDITARY MOTOR, HARDING TYPE VIIA; NEUROPATHY, DISTAL HEREDITARY MOTOR, HARDING TYPE VIIA. Identifiers: Orphanet 139589, MedGen C1834703, MONDO:0008024, OMIM 158580.
Congenital myasthenic syndrome 20. Also called: Myasthenic syndrome, congenital, 20, presynaptic. Identifiers: MedGen C4310694, MONDO:0014939, OMIM 617143.
Inborn genetic diseases. Identifiers: MedGen C0950123, MeSH D030342.

Allele frequency attached by ClinVar (database versions not stated): ExAC 0.00008; TOPMed 0.00008; gnomAD 0.00009; gnomAD exomes 0.00013 and 0.00015; 1000 Genomes Project 0.00020; 1000 Genomes Project 30x 0.00031.
gnomAD v4.1: 238 of 1,613,602 alleles (0.015%); highest among the groups gnomAD compares: Non-Finnish European, 0.018%; no homozygotes.

Submissions (6):

GeneDx
Classification: Uncertain significance. Last evaluated: 2026-01-22. Review status: criteria provided, single submitter. Criteria: GeneDx Variant Classification Process June 2021. Collection method: clinical testing. Allele origin: germline.
Comment: In silico analysis suggests that this missense variant does not alter protein structure/function; Has not been previously published as pathogenic or benign to our knowledge

Labcorp Genetics (formerly Invitae), Labcorp
Classification: Uncertain significance for Neuronopathy, distal hereditary motor, type 7A; Congenital myasthenic syndrome 20. Last evaluated: 2025-02-02. Review status: criteria provided, single submitter. Criteria: Invitae Variant Classification Sherloc (09022015). Collection method: clinical testing. Allele origin: germline.
Comment: This sequence change replaces arginine, which is basic and polar, with glutamine, which is neutral and polar, at codon 548 of the SLC5A7 protein (p.Arg548Gln). This variant is present in population databases (rs199864231, gnomAD 0.04%). This variant has not been reported in the literature in individuals affected with SLC5A7-related conditions. ClinVar contains an entry for this variant (Variation ID: 532814). An algorithm developed to predict the effect of missense changes on protein structure and function (PolyPhen-2) suggests that this variant¬¨‚Ä†is likely to be tolerated. In summary, the available evidence is currently insufficient to determine the role of this variant in disease. Therefore, it has been classified as a Variant of Uncertain Significance.

Mayo Clinic Laboratories, Mayo Clinic
Classification: Uncertain significance. Last evaluated: 2023-10-05. Review status: criteria provided, single submitter. Criteria: ACMG Guidelines, 2015. Collection method: clinical testing. Allele origin: germline. Observed: 1 variant allele.

CeGaT Center for Human Genetics Tuebingen
Classification: Uncertain significance. Last evaluated: 2022-09-01. Review status: criteria provided, single submitter. Criteria: CeGaT Center For Human Genetics Tuebingen Variant Classification Criteria Version 2. Collection method: clinical testing. Allele origin: germline. Affected: yes. Observed: 1 variant allele.

Ambry Genetics
Classification: Likely benign for Inborn genetic diseases. Last evaluated: 2019-12-19. Review status: criteria provided, single submitter. Criteria: Ambry Variant Classification Scheme 2023. Collection method: clinical testing. Allele origin: germline.

Fulgent Genetics
Classification: Uncertain significance for Neuronopathy, distal hereditary motor, type 7A; Congenital myasthenic syndrome 20. Last evaluated: 2018-10-31. Review status: criteria provided, single submitter. Criteria: ACMG Guidelines, 2015. Collection method: clinical testing. Allele origin: unknown.